The following is an entry in ClinVar:

ClinVar aggregate classification (germline): Uncertain significance. Review status: criteria provided, multiple submitters, no conflicts (2 of 4 stars). 2 submissions from 2 submitters: Uncertain significance (2). Last evaluated 2026-07-07.

Conditions:
Renal cysts and diabetes syndrome (RCAD). Also called: Familial hypoplastic, glomerulocystic kidney; MATURITY-ONSET DIABETES OF THE YOUNG, TYPE 5. Identifiers: Orphanet 93111, MedGen C0431693, MONDO:0007669, OMIM 137920.

Submissions (2):

Medgenome Labs Ltd
Classification: Uncertain significance for Renal cysts and diabetes syndrome. Last evaluated: 2026-07-07. Review status: criteria provided, single submitter. Criteria: ACMG Guidelines, 2015. Collection method: clinical testing. Allele origin: germline. Affected: yes.

GeneDx
Classification: Uncertain significance. Last evaluated: 2025-06-11. Review status: criteria provided, single submitter. Criteria: GeneDx Variant Classification Process June 2021. Collection method: clinical testing. Allele origin: germline. Affected: yes.
Comment: Not observed at significant frequency in large population cohorts (gnomAD); In silico analysis supports that this missense variant has a deleterious effect on protein structure/function; Has not been previously published as pathogenic or benign to our knowledge; This variant is associated with the following publications: (PMID: 17924661)

NM_000458.4(HNF1B):c.357G>C (p.Trp119Cys)

Gene: HNF1B (HNF1 homeobox B; minus strand). Cytogenetic location: 17q12.
Variant type: single nucleotide variant.
Coding change: c.357G>C on transcript NM_000458.4 (MANE Select); coding-DNA position 357, G replaced by C.
Protein change: p.Trp119Cys; replaces tryptophan 119 with cysteine.
Molecular consequence: missense variant.
Genome position (GRCh38, 1-based): chr17:37,739,627, C>G on the plus strand (G>C on the coding strand, the complement: HNF1B is on the minus strand). VCF-style: chr17-37739627-C-G. GRCh37 (hg19) VCF-style: chr17-36099618-C-G.
Other names: c.357G>C, p.Trp119Cys (NM_001165923.4, NM_001304286.2, NM_001411100.1); short protein forms W119C.
Identifiers: ClinVar variation 4537992 (VCV004537992.2).